The following is an entry in ClinVar:

ClinVar aggregate classification (germline): Likely benign (1 of 4 stars; one submission).

Allele frequency attached by ClinVar (database versions not stated): 1000 Genomes Project 0.00180; 1000 Genomes Project 30x 0.00328.
gnomAD v4.1: 323 of 1,602,742 alleles (0.02%); highest among the groups gnomAD compares: African/African-American, 0.2%; 10 homozygotes.

Submission:

CeGaT Center for Human Genetics Tuebingen
Classification: Likely benign. Last evaluated: 2024-04-01. Review status: criteria provided, single submitter. Criteria: CeGaT Center For Human Genetics Tuebingen Variant Classification Criteria Version 2. Collection method: clinical testing. Allele origin: germline. Affected: yes. Observed: 2 variant alleles.
Comment: AHNAK2: BP4, BS2

NM_138420.4(AHNAK2):c.3589G>C (p.Val1197Leu)

Gene: AHNAK2 (AHNAK nucleoprotein 2; minus strand). Cytogenetic location: 14q32.33.
Variant type: single nucleotide variant.
Coding change: c.3589G>C on transcript NM_138420.4 (MANE Select); coding-DNA position 3589, G replaced by C.
Protein change: p.Val1197Leu; replaces valine 1197 with leucine.
Molecular consequence: missense variant.
Genome position (GRCh38, 1-based): chr14:104,951,862, C>G on the plus strand (G>C on the coding strand, the complement: AHNAK2 is on the minus strand). VCF-style: chr14-104951862-C-G. GRCh37 (hg19) VCF-style: chr14-105418199-C-G.
Other names: c.3289G>C, p.Val1097Leu (NM_001350929.2); short protein forms V1097L, V1197L.
Identifiers: ClinVar variation 2644845 (VCV002644845.24), dbSNP rs201140610, ClinGen allele CA7382902.
Genomic context (GRCh38, chr14:104,951,862, plus strand): 5'-AAGGGGGCTGAATGCTGAGGTCAGTGGTCTTGAGGTCCCCCTGCATGGAGGGGAGACTCA[C>G]GTCGGCCTCCACTTTGGGTGCAGACACATCCACCGAGGCCTCGATGGACTTGCCTGGGGC-3'
Protein context (NP_612429.2, residues 1187-1207): DVSAPKVEAD[Val1197Leu]SLPSMQGDLK